The following is an entry in ClinVar:

NM_001256317.3(TMPRSS3):c.647G>T (p.Arg216Leu)

Gene: TMPRSS3 (transmembrane serine protease 3; minus strand). Cytogenetic location: 21q22.3.
Variant type: single nucleotide variant.
Coding change: c.647G>T on transcript NM_001256317.3 (MANE Select); coding-DNA position 647, G replaced by T.
Protein change: p.Arg216Leu; replaces arginine 216 with leucine.
Molecular consequence: missense variant.
Genome position (GRCh38, 1-based): chr21:42,383,168, C>A on the plus strand (G>T on the coding strand, the complement: TMPRSS3 is on the minus strand). VCF-style: chr21-42383168-C-A. GRCh37 (hg19) VCF-style: chr21-43803277-C-A.
Other names: c.647G>T, p.Arg216Leu (NM_024022.4, NM_032405.2); c.266G>T, p.Arg89Leu (NM_032404.3); short protein forms R216L, R89L.
Identifiers: ClinVar variation 4946 (VCV000004946.3), dbSNP rs137853000, ClinGen allele CA253355.
Genomic context (GRCh38, chr21:42,383,168, plus strand): 5'-AACTGAAGGCTGGCCTGCCAGGGCCACTGCGAGAGCAAGGACATGTTTCCACCCACGATG[C>A]GTGAGCTGTAGCCCCTTCTATGACCACAGGCTATGGAGGGGAACAAAGGCTTGTGGGTCC-3'
Protein context (NP_001243246.1, residues 206-226): ACGHRRGYSS[Arg216Leu]IVGGNMSLLS

ClinVar aggregate classification (germline): Likely pathogenic. Review status: criteria provided, single submitter (1 of 4 stars). 2 submissions from 2 submitters: Likely pathogenic (1). 1 of the submissions does not count toward it.

Conditions:
Autosomal recessive nonsyndromic hearing loss 8 (DFNB8). Also called: NEUROSENSORY NONSYNDROMIC RECESSIVE DEAFNESS 8; Deafness, autosomal recessive 10. Identifiers: Orphanet 90636, MedGen C1832827, MONDO:0010987, OMIM 601072.

Allele frequency attached by ClinVar (database versions not stated): gnomAD 0.00003.
gnomAD v4.1: 3 of 1,613,940 alleles (0.00019%); highest among the groups gnomAD compares: Non-Finnish European, 0.00025%; no homozygotes.

Submissions (2):

Juno Genomics, Hangzhou Juno Genomics, Inc
Classification: Likely pathogenic for Autosomal recessive nonsyndromic hearing loss 8. Review status: criteria provided, single submitter. Criteria: ACMG Guidelines, 2015. Collection method: clinical testing. Allele origin: germline.
Comment: Absent from controls (or at extremely low frequency if recessive) in Genome Aggregation Database.;Novel missense change at an amino acid residue where a different missense change determined to be pathogenic has been seen before.;Multiple lines of computational evidence support a deleterious effect on the gene or gene product.;For recessive disorders, detected in trans with a pathogenic variant.;Co-segregation with disease in multiple affected family members.;Patient's phenotype or family history is highly specific for a disease with a single genetic etiology.

OMIM
Classification: Pathogenic for DEAFNESS, AUTOSOMAL RECESSIVE 8. Last evaluated: 2005-10-01. Review status: no assertion criteria provided. Collection method: literature only. Allele origin: germline. Not counted in ClinVar's aggregate classification.

Literature cited by the submitters: PubMed 16021470 (cited by OMIM).